The following is an entry in ClinVar:

NM_001556.3(IKBKB):c.2005G>C (p.Val669Leu)

Gene: IKBKB (inhibitor of nuclear factor kappa B kinase subunit beta; plus strand). Cytogenetic location: 8p11.21.
Variant type: single nucleotide variant.
Coding change: c.2005G>C on transcript NM_001556.3 (MANE Select); coding-DNA position 2005, G replaced by C.
Protein change: p.Val669Leu; replaces valine 669 with leucine.
Molecular consequence: missense variant. On other transcripts: non-coding transcript variant (3).
Genome position (GRCh38, 1-based): chr8:42,325,988, G>C. VCF-style: chr8-42325988-G-C. GRCh37 (hg19) VCF-style: chr8-42183506-G-C.
Other names: c.1813G>C, p.Val605Leu (NM_001190720.3); c.1828G>C, p.Val610Leu (NM_001242778.2); short protein forms V610L, V669L, V605L.
Identifiers: ClinVar variation 3002888 (VCV003002888.3), dbSNP rs1408354653, ClinGen allele CA371093723.
Genomic context (GRCh38, chr8:42,325,988, plus strand): 5'-TTCATCACTTGGCTCCTAATTTCTTTTGATTTTGTCCCCTAGAGCAAGGTCCGTGGTCCT[G>C]TCAGTGGAAGCCCGGATAGCATGAATGCCTCTCGACTTAGCCAGCCTGGGCAGCTGATGT-3'
Protein context (NP_001547.1, residues 659-679): KIACSKVRGP[Val669Leu]SGSPDSMNAS

ClinVar aggregate classification (germline): Uncertain significance (1 of 4 stars; one submission).

Conditions:
Severe combined immunodeficiency due to IKK2 deficiency. Also called: Immunodeficiency 15; IMMUNODEFICIENCY 15B. Identifiers: Orphanet 397787, MedGen C4747743, MONDO:0014267, OMIM 615592.

Allele frequency attached by ClinVar (database versions not stated): gnomAD exomes below 0.00001; TOPMed below 0.00001; gnomAD 0.00001.
gnomAD v4.1: 2 of 1,614,116 alleles (0.00012%); highest among the groups gnomAD compares: Non-Finnish European, 0.00017%; no homozygotes.

Submission:

Labcorp Genetics (formerly Invitae), Labcorp
Classification: Uncertain significance for Severe combined immunodeficiency due to IKK2 deficiency. Last evaluated: 2023-05-30. Review status: criteria provided, single submitter. Criteria: Invitae Variant Classification Sherloc (09022015). Collection method: clinical testing. Allele origin: germline.
Comment: This sequence change replaces valine, which is neutral and non-polar, with leucine, which is neutral and non-polar, at codon 669 of the IKBKB protein (p.Val669Leu). In summary, the available evidence is currently insufficient to determine the role of this variant in disease. Therefore, it has been classified as a Variant of Uncertain Significance. Advanced modeling of protein sequence and biophysical properties (such as structural, functional, and spatial information, amino acid conservation, physicochemical variation, residue mobility, and thermodynamic stability) performed at Invitae indicates that this missense variant is not expected to disrupt IKBKB protein function. This variant has not been reported in the literature in individuals affected with IKBKB-related conditions. This variant is present in population databases (no rsID available, gnomAD 0.007%).